The following is an entry in ClinVar:

ClinVar aggregate classification (germline): Likely pathogenic (1 of 4 stars; one submission).

Submission:

Labcorp Genetics (formerly Invitae), Labcorp
Classification: Likely pathogenic. Last evaluated: 2023-11-18. Review status: criteria provided, single submitter. Criteria: Invitae Variant Classification Sherloc (09022015). Collection method: clinical testing. Allele origin: germline.
Comment: This sequence change affects a splice site in intron 1 of the TONSL gene. It is expected to disrupt RNA splicing. Variants that disrupt the donor or acceptor splice site typically lead to a loss of protein function (PMID: 16199547), and loss-of-function variants in TONSL are known to be pathogenic (PMID: 30773277). This variant is not present in population databases (gnomAD no frequency). This variant has not been reported in the literature in individuals affected with TONSL-related conditions. Algorithms developed to predict the effect of sequence changes on RNA splicing suggest that this variant may disrupt the consensus splice site. In summary, the currently available evidence indicates that the variant is pathogenic, but additional data are needed to prove that conclusively. Therefore, this variant has been classified as Likely Pathogenic.

Literature cited by the submitters: PubMed 16199547; PubMed 30773277.

NM_013432.5(TONSL):c.25+1del

Genes: TONSL (tonsoku like, DNA repair protein; minus strand), LOC130001399 (ATAC-STARR-seq lymphoblastoid silent region 19685; plus strand). Cytogenetic location: 8q24.3.
Variant type: Deletion.
Coding change: c.25+1del on transcript NM_013432.5 (MANE Select); the canonical splice donor site of the intron after coding-DNA position 25, one base deleted (G; older notation c.25+1delG).
Molecular consequence: splice donor variant.
Genome position (GRCh38, 1-based): chr8:144,444,389, C deleted on the plus strand (G on the coding strand, the reverse complement: TONSL is on the minus strand). VCF-style (leftmost placement, unchanged base first): chr8-144444388-AC-A. GRCh37 (hg19) VCF-style: chr8-145669771-AC-A.
Identifiers: ClinVar variation 2696982 (VCV002696982.3), dbSNP rs2537512231, ClinGen allele CA2689110325.